The following is an entry in ClinVar:

ClinVar aggregate classification (germline): Uncertain significance (1 of 4 stars; one submission).

Conditions:
Deficiency of adenosine deaminase 2. Also called: Polyarteritis nodosa, childhoood-onset; VASCULITIS, AUTOINFLAMMATION, IMMUNODEFICIENCY, AND HEMATOLOGIC DEFECTS SYNDROME; Adenosine Deaminase 2 Deficiency. Identifiers: Orphanet 404553, MedGen C3887654, MONDO:0014306, OMIM 615688, MONDO:0100317.

Allele frequency attached by ClinVar (database versions not stated): gnomAD exomes below 0.00001; TOPMed below 0.00001; gnomAD 0.00001.
gnomAD v4.1: 4 of 1,613,754 alleles (0.00025%); highest among the groups gnomAD compares: Non-Finnish European, 0.00025%; no homozygotes.

Submission:

Labcorp Genetics (formerly Invitae), Labcorp
Classification: Uncertain significance for Deficiency of adenosine deaminase 2. Last evaluated: 2025-03-31. Review status: criteria provided, single submitter. Criteria: Invitae Variant Classification Sherloc (09022015). Collection method: clinical testing. Allele origin: germline.
Comment: This sequence change replaces serine, which is neutral and polar, with tyrosine, which is neutral and polar, at codon 333 of the ADA2 protein (p.Ser333Tyr). This variant is not present in population databases (gnomAD no frequency). This variant has not been reported in the literature in individuals affected with ADA2-related conditions. ClinVar contains an entry for this variant (Variation ID: 1462196). Invitae Evidence Modeling of protein sequence and biophysical properties (such as structural, functional, and spatial information, amino acid conservation, physicochemical variation, residue mobility, and thermodynamic stability) indicates that this missense variant is expected to disrupt ADA2 protein function with a positive predictive value of 80%. In summary, the available evidence is currently insufficient to determine the role of this variant in disease. Therefore, it has been classified as a Variant of Uncertain Significance.

NM_001282225.2(ADA2):c.998C>A (p.Ser333Tyr)

Gene: ADA2 (adenosine deaminase 2; minus strand). Cytogenetic location: 22q11.1.
Variant type: single nucleotide variant.
Coding change: c.998C>A on transcript NM_001282225.2 (MANE Select); coding-DNA position 998, C replaced by A.
Protein change: p.Ser333Tyr; replaces serine 333 with tyrosine.
Molecular consequence: missense variant.
Genome position (GRCh38, 1-based): chr22:17,188,422, G>T on the plus strand (C>A on the coding strand, the complement: ADA2 is on the minus strand). VCF-style: chr22-17188422-G-T. GRCh37 (hg19) VCF-style: chr22-17669312-G-T.
Other names: c.998C>A, p.Ser333Tyr (NM_001282226.2); c.872C>A, p.Ser291Tyr (NM_001282227.2, NM_001282228.2); c.638C>A, p.Ser213Tyr (NM_001282229.2); c.275C>A, p.Ser92Tyr (NM_177405.3); short protein forms S291Y, S333Y, S213Y, S92Y.
Identifiers: ClinVar variation 1462196 (VCV001462196.8), dbSNP rs1293578507, ClinGen allele CA410233475.